The following is an entry in ClinVar:

ClinVar aggregate classification (germline): Pathogenic (1 of 4 stars; one submission).

Conditions:
Bloom syndrome (BLM). Also called: Bloom-Torre-Machacek syndrome. Identifiers: Orphanet 125, MedGen C0005859, MONDO:0008876, OMIM 210900.

Submission:

Labcorp Genetics (formerly Invitae), Labcorp
Classification: Pathogenic for Bloom syndrome. Last evaluated: 2024-10-26. Review status: criteria provided, single submitter. Criteria: Invitae Variant Classification Sherloc (09022015). Collection method: clinical testing. Allele origin: germline.
Comment: This sequence change creates a premature translational stop signal (p.Ser456*) in the BLM gene. It is expected to result in an absent or disrupted protein product. Loss-of-function variants in BLM are known to be pathogenic (PMID: 17407155). This variant is not present in population databases (gnomAD no frequency). This variant has not been reported in the literature in individuals affected with BLM-related conditions. For these reasons, this variant has been classified as Pathogenic.

Literature cited by the submitters: PubMed 17407155.

NM_000057.4(BLM):c.1367C>A (p.Ser456Ter)

Gene: BLM (BLM RecQ like helicase; plus strand). Cytogenetic location: 15q26.1.
Variant type: single nucleotide variant.
Coding change: c.1367C>A on transcript NM_000057.4 (MANE Select); coding-DNA position 1367, C replaced by A.
Protein change: p.Ser456Ter; replaces serine 456 with a stop codon.
Molecular consequence: nonsense.
Genome position (GRCh38, 1-based): chr15:90,760,740, C>A. VCF-style: chr15-90760740-C-A. GRCh37 (hg19) VCF-style: chr15-91303970-C-A.
Other names: c.1367C>A, p.Ser456Ter (NM_001287246.2, NM_001287247.2); c.242C>A, p.Ser81Ter (NM_001287248.2); short protein forms S456*, S81*.
Identifiers: ClinVar variation 3669660 (VCV003669660.2).